The following is an entry in ClinVar:

ClinVar aggregate classification (germline): Uncertain significance (1 of 4 stars; one submission).

Conditions:
Cardiac-urogenital syndrome (CUGS). Also called: MYRF-Related Cardiac Urogenital Syndrome. Identifiers: Orphanet 647811, MedGen C4748946, MONDO:0032653, OMIM 618280.
Nanophthalmos 1 (TMEM98). Also called: NNO1; MICROPHTHALMOS, SIMPLE, AUTOSOMAL DOMINANT; NANOPHTHALMIA 1; NANOPHTHALMOS WITH HIGH HYPEROPIA AND ANGLE-CLOSURE GLAUCOMA; NANOPHTHALMOS, AUTOSOMAL DOMINANT. Identifiers: Orphanet 35612, MedGen C1838502, MONDO:0010836, OMIM 600165.
Encephalitis/encephalopathy, mild, with reversible myelin vacuolization. Also called: ENCEPHALITIS/ENCEPHALOPATHY, MILD, WITH REVERSIBLE SPLENIAL LESION. Identifiers: MedGen C4722446, MONDO:0020853, OMIM 618113.

Submission:

Juno Genomics, Hangzhou Juno Genomics, Inc
Classification: Uncertain significance for Cardiac-urogenital syndrome; Encephalitis/encephalopathy, mild, with reversible myelin vacuolization; Nanophthalmos 1. Review status: criteria provided, single submitter. Criteria: ACMG Guidelines, 2015. Collection method: clinical testing. Allele origin: germline.
Comment: Absent from controls (or at extremely low frequency if recessive) in Genome Aggregation Database.;De novo (both maternity and paternity confirmed) in a patient with the disease and no family history.;Null variant in a gene where loss of function (LOF) is a known mechanism of disease.

NM_001127392.3(MYRF):c.1791+1G>C

Gene: MYRF (myelin regulatory factor; plus strand). Cytogenetic location: 11q12.2.
Variant type: single nucleotide variant.
Coding change: c.1791+1G>C on transcript NM_001127392.3 (MANE Select); the canonical splice donor site of the intron after coding-DNA position 1791, G replaced by C.
Molecular consequence: splice donor variant.
Genome position (GRCh38, 1-based): chr11:61,777,465, G>C. VCF-style: chr11-61777465-G-C. GRCh37 (hg19) VCF-style: chr11-61544937-G-C.
Other names: c.1764+1G>C (NM_013279.4).
Identifiers: ClinVar variation 5019844 (VCV005019844.2).